The following is an entry in ClinVar:

ClinVar aggregate classification (germline): Likely benign. Review status: criteria provided, multiple submitters, no conflicts (2 of 4 stars). 2 submissions from 2 submitters: Likely benign (2). Last evaluated 2026-01-15.

Conditions:
Amyotrophic lateral sclerosis type 1 (ALS1). Also called: AMYOTROPHIC LATERAL SCLEROSIS 1, FAMILIAL. Identifiers: Orphanet 803, MedGen C1862939, MONDO:0007103, OMIM 105400.

Allele frequency attached by ClinVar (database versions not stated): gnomAD exomes below 0.00001; TOPMed below 0.00001; ExAC 0.00001; gnomAD 0.00001.
gnomAD v4.1: 3 of 1,613,706 alleles (0.00019%); highest among the groups gnomAD compares: African/African-American, 0.0027%; no homozygotes.

Submissions (2):

Labcorp Genetics (formerly Invitae), Labcorp
Classification: Likely benign for Amyotrophic lateral sclerosis type 1. Last evaluated: 2026-01-15. Review status: criteria provided, single submitter. Criteria: Invitae Variant Classification Sherloc (09022015). Collection method: clinical testing. Allele origin: germline.

CeGaT Center for Human Genetics Tuebingen
Classification: Likely benign. Last evaluated: 2022-06-01. Review status: criteria provided, single submitter. Criteria: CeGaT Center For Human Genetics Tuebingen Variant Classification Criteria Version 2. Collection method: clinical testing. Allele origin: germline. Affected: yes. Observed: 1 variant allele.
Comment: SOD1: BP4, BP7

NM_000454.5(SOD1):c.253T>C (p.Leu85=)

Gene: SOD1 (superoxide dismutase 1; plus strand). Cytogenetic location: 21q22.11.
Variant type: single nucleotide variant.
Coding change: c.253T>C on transcript NM_000454.5 (MANE Select); coding-DNA position 253, T replaced by C.
Protein change: p.Leu85=; no amino-acid change (leucine 85 retained).
Molecular consequence: synonymous variant.
Genome position (GRCh38, 1-based): chr21:31,667,271, T>C. VCF-style: chr21-31667271-T-C. GRCh37 (hg19) VCF-style: chr21-33039584-T-C.
Identifiers: ClinVar variation 2652585 (VCV002652585.26), dbSNP rs121912452, ClinGen allele CA9998944.
Genomic context (GRCh38, chr21:31,667,271, plus strand): 5'-GTTTAGTGGCATCAGCCCTAATCCATCTGATGCTTTTTCATTATTAGGCATGTTGGAGAC[T>C]TGGGCAATGTGACTGCTGACAAAGATGGTGTGGCCGATGTGTCTATTGAAGATTCTGTGA-3'
Protein context (NP_000445.1, residues 75-95): PKDEERHVGD[Leu85=]GNVTADKDGV